The following is an entry in ClinVar:

NM_006735.4(HOXA2):c.661G>A (p.Glu221Lys)

Gene: HOXA2 (homeobox A2; minus strand). Cytogenetic location: 7p15.2.
Variant type: single nucleotide variant.
Coding change: c.661G>A on transcript NM_006735.4 (MANE Select); coding-DNA position 661, G replaced by A.
Protein change: p.Glu221Lys; replaces glutamic acid 221 with lysine.
Molecular consequence: missense variant.
Genome position (GRCh38, 1-based): chr7:27,101,196, C>T on the plus strand (G>A on the coding strand, the complement: HOXA2 is on the minus strand). VCF-style: chr7-27101196-C-T. GRCh37 (hg19) VCF-style: chr7-27140815-C-T.
Other names: short protein forms E221K.
Identifiers: ClinVar variation 4537037 (VCV004537037.1).

ClinVar aggregate classification (germline): Uncertain significance (1 of 4 stars; one submission).

gnomAD v4.1: 12 of 1,614,166 alleles (0.00074%); highest among the groups gnomAD compares: East Asian, 0.02%; no homozygotes.

Submission:

Women's Health and Genetics/Laboratory Corporation of America, LabCorp
Classification: Uncertain significance. Last evaluated: 2025-11-05. Review status: criteria provided, single submitter. Criteria: LabCorp Variant Classification Summary - May 2015. Collection method: clinical testing. Allele origin: germline.
Comment: Variant summary: HOXA2 c.661G>A (p.Glu221Lys) results in a conservative amino acid change in the encoded protein sequence. Algorithms developed to predict the effect of missense changes on protein structure and function are either unavailable or do not agree on the potential impact of this missense change. The variant allele was found at a frequency of 1.2e-05 in 251486 control chromosomes. The available data on variant occurrences in the general population are insufficient to allow any conclusion about variant significance. To our knowledge, no occurrence of c.661G>A in individuals affected with HOXA2-related conditions and no experimental evidence demonstrating its impact on protein function have been reported. No submitters have cited clinical-significance assessments for this variant to ClinVar. Based on the evidence outlined above, the variant was classified as uncertain significance.